The following is an entry in ClinVar:

NM_001486.4(GCKR):c.395C>T (p.Pro132Leu)

Gene: GCKR (glucokinase regulator; plus strand). Cytogenetic location: 2p23.3.
Variant type: single nucleotide variant.
Coding change: c.395C>T on transcript NM_001486.4 (MANE Select); coding-DNA position 395, C replaced by T.
Protein change: p.Pro132Leu; replaces proline 132 with leucine.
Molecular consequence: missense variant.
Genome position (GRCh38, 1-based): chr2:27,498,764, C>T. VCF-style: chr2-27498764-C-T. GRCh37 (hg19) VCF-style: chr2-27721631-C-T.
Other names: short protein forms P132L.
Identifiers: ClinVar variation 2148761 (VCV002148761.4), dbSNP rs150673460, ClinGen allele CA1581550.

ClinVar aggregate classification (germline): Uncertain significance (1 of 4 stars; one submission).

Allele frequency attached by ClinVar (database versions not stated): ExAC 0.00016; 1000 Genomes Project 30x 0.00031; 1000 Genomes Project 0.00040.

Submission:

Labcorp Genetics (formerly Invitae), Labcorp
Classification: Uncertain significance. Last evaluated: 2025-03-12. Review status: criteria provided, single submitter. Criteria: Invitae Variant Classification Sherloc (09022015). Collection method: clinical testing. Allele origin: germline.
Comment: This sequence change replaces proline, which is neutral and non-polar, with leucine, which is neutral and non-polar, at codon 132 of the GCKR protein (p.Pro132Leu). This variant is present in population databases (rs150673460, gnomAD 0.2%), and has an allele count higher than expected for a pathogenic variant. This missense change has been observed in individual(s) with clinical features of dyslipidemia (PMID: 32041611). ClinVar contains an entry for this variant (Variation ID: 2148761). Invitae Evidence Modeling of protein sequence and biophysical properties (such as structural, functional, and spatial information, amino acid conservation, physicochemical variation, residue mobility, and thermodynamic stability) indicates that this missense variant is not expected to disrupt GCKR protein function with a negative predictive value of 80%. In summary, the available evidence is currently insufficient to determine the role of this variant in disease. Therefore, it has been classified as a Variant of Uncertain Significance.

Literature cited by the submitters: PubMed 32041611.